The following is an entry in ClinVar:

NC_000006.11:g.(?_31926951)_(31937529_?)del

Gene: SKIC2 (SKI2 subunit of superkiller complex; plus strand). Cytogenetic location: 6p21.33.
Variant type: Deletion.
Identifiers: ClinVar variation 3385179 (VCV003385179.1).

ClinVar aggregate classification (germline): Pathogenic (1 of 4 stars; one submission).

Conditions:
Trichohepatoenteric syndrome. Also called: THE SYNDROME; Syndromic diarrhea; Tricho-hepato-enteric syndrome. Identifiers: Orphanet 84064, MedGen C1857276, MONDO:0009105.

Submission:

Women's Health and Genetics/Laboratory Corporation of America, LabCorp
Classification: Pathogenic for Trichohepatoenteric syndrome. Last evaluated: 2024-10-21. Review status: criteria provided, single submitter. Criteria: LabCorp Variant Classification Summary - May 2015. Collection method: clinical testing. Allele origin: germline.
Comment: Variant summary: The variant involves the deletion of exons 1-28 in the SKIC2 gene. A presumed nomenclature of c.(?_-19)_(*37_?)del has been designated for the purposes of this classification. This deletion includes the entire coding sequence of the gene. As the exact proximal and distal breakpoints are unknown, it may extend beyond the annotated region of the gene to include other flanking genes. LoF is a known disease mechanism for SKIC2-related Trichohepatoenteric syndrome 2 (PMID: 22444670). The variant was absent in 20614 control chromosomes (gnomAD SV v2). To our knowledge, no occurrence of c.(?_-19)_(*37_?)del in individuals affected with Trichohepatoenteric Syndrome and no experimental evidence demonstrating its impact on protein function have been reported. ClinVar contains an entry for this variant (Variation ID: 3246209). Based on the evidence outlined above, the variant was classified as pathogenic.